The following is an entry in ClinVar:

NM_006517.5(SLC16A2):c.129C>G (p.Pro43=)

Gene: SLC16A2 (solute carrier family 16 member 2; plus strand). Cytogenetic location: Xq13.2.
Variant type: single nucleotide variant.
Coding change: c.129C>G on transcript NM_006517.5 (MANE Select); coding-DNA position 129, C replaced by G.
Protein change: p.Pro43=; no amino-acid change (proline 43 retained).
Molecular consequence: synonymous variant.
Genome position (GRCh38, 1-based): chrX:74,421,766, C>G. VCF-style: chrX-74421766-C-G. GRCh37 (hg19) VCF-style: chrX-73641601-C-G.
Identifiers: ClinVar variation 2660926 (VCV002660926.27), dbSNP rs1421428914, ClinGen allele CA517464247.

ClinVar aggregate classification (germline): Benign/Likely benign. Review status: criteria provided, multiple submitters, no conflicts (2 of 4 stars). 2 submissions from 2 submitters: Benign (1); Likely benign (1). Last evaluated 2025-11-03.

Conditions:
Spastic paraplegia. Identifiers: MedGen C0037772, HP:0001258.

gnomAD v4.1: 4 of 1,138,470 alleles (0.00035%); highest among the groups gnomAD compares: South Asian, 0.0019%; no homozygotes.

Submissions (2):

Labcorp Genetics (formerly Invitae), Labcorp
Classification: Benign for Spastic paraplegia. Last evaluated: 2025-11-03. Review status: criteria provided, single submitter. Criteria: Invitae Variant Classification Sherloc (09022015). Collection method: clinical testing. Allele origin: germline.

CeGaT Center for Human Genetics Tuebingen
Classification: Likely benign. Last evaluated: 2023-03-01. Review status: criteria provided, single submitter. Criteria: CeGaT Center For Human Genetics Tuebingen Variant Classification Criteria Version 2. Collection method: clinical testing. Allele origin: germline. Affected: yes. Observed: 1 variant allele.
Comment: SLC16A2: BP4, BP7